The following is an entry in ClinVar:

NM_001103.4(ACTN2):c.1614T>C (p.Asp538=)

Gene: ACTN2 (actinin alpha 2; plus strand). Cytogenetic location: 1q43.
Variant type: single nucleotide variant.
Coding change: c.1614T>C on transcript NM_001103.4 (MANE Select); coding-DNA position 1614, T replaced by C.
Protein change: p.Asp538=; no amino-acid change (aspartic acid 538 retained).
Molecular consequence: synonymous variant.
Genome position (GRCh38, 1-based): chr1:236,749,222, T>C. VCF-style: chr1-236749222-T-C. GRCh37 (hg19) VCF-style: chr1-236912522-T-C.
Other names: c.1614T>C (NM_001103.2); c.1614T>C, p.Asp538= (NM_001278343.2); c.990T>C, p.Asp330= (NM_001278344.2).
Identifiers: ClinVar variation 917667 (VCV000917667.13), dbSNP rs368615266, ClinGen allele CA1473204.

ClinVar aggregate classification (germline): Likely benign. Review status: criteria provided, multiple submitters, no conflicts (2 of 4 stars). 4 submissions from 4 submitters: Likely benign (4). Last evaluated 2026-08-01.

Conditions:
Cardiovascular phenotype. Identifiers: MedGen CN230736.
Dilated cardiomyopathy 1AA (CMD1AA). Also called: Cardiomyopathy, dilated, 1AA, with or without LVNC; CARDIOMYOPATHY, DILATED, 1AA, WITH OR WITHOUT LEFT VENTRICULAR NONCOMPACTION; CARDIOMYOPATHY, FAMILIAL HYPERTROPHIC, 23, WITH OR WITHOUT LEFT VENTRICULAR NONCOMPACTION. Identifiers: Orphanet 154, MedGen C2677338, MONDO:0012808, OMIM 612158.
Primary familial hypertrophic cardiomyopathy (HCM). Identifiers: Orphanet 99739, MedGen C0949658, MeSH D024741, MONDO:0024573. Inheritance: Various modes of inheritance.

Allele frequency attached by ClinVar (database versions not stated): gnomAD 0.00001; gnomAD exomes 0.00001 and 0.00002; ExAC 0.00002; TOPMed 0.00002; ESP Exome Variant Server 0.00008.
gnomAD v4.1: 22 of 1,614,098 alleles (0.0014%); highest among the groups gnomAD compares: Non-Finnish European, 0.0019%; no homozygotes.

Submissions (4):

CeGaT Center for Human Genetics Tuebingen
Classification: Likely benign. Last evaluated: 2026-08-01. Review status: criteria provided, single submitter. Criteria: CeGaT Center For Human Genetics Tuebingen Variant Classification Criteria Version 2. Collection method: clinical testing. Allele origin: germline. Affected: yes. Observed: 1 variant allele.
Comment: ACTN2: BP4, BP7

Labcorp Genetics (formerly Invitae), Labcorp
Classification: Likely benign for Primary familial hypertrophic cardiomyopathy; Dilated cardiomyopathy 1AA. Last evaluated: 2025-06-26. Review status: criteria provided, single submitter. Criteria: Invitae Variant Classification Sherloc (09022015). Collection method: clinical testing. Allele origin: germline.

Ambry Genetics
Classification: Likely benign for Cardiovascular phenotype. Last evaluated: 2023-03-31. Review status: criteria provided, single submitter. Criteria: Ambry Variant Classification Scheme 2023. Collection method: clinical testing. Allele origin: germline.

Women's Health and Genetics/Laboratory Corporation of America, LabCorp
Classification: Likely benign. Last evaluated: 2020-01-31. Review status: criteria provided, single submitter. Criteria: LabCorp Variant Classification Summary - May 2015. Collection method: clinical testing. Allele origin: germline.